The following is an entry in ClinVar:

NM_198334.3(GANAB):c.1991A>G (p.Tyr664Cys)

Gene: GANAB (glucosidase II alpha subunit; minus strand). Cytogenetic location: 11q12.3.
Variant type: single nucleotide variant.
Coding change: c.1991A>G on transcript NM_198334.3 (MANE Select); coding-DNA position 1991, A replaced by G.
Protein change: p.Tyr664Cys; replaces tyrosine 664 with cysteine.
Molecular consequence: missense variant.
Genome position (GRCh38, 1-based): chr11:62,628,958, T>C on the plus strand (A>G on the coding strand, the complement: GANAB is on the minus strand). VCF-style: chr11-62628958-T-C. GRCh37 (hg19) VCF-style: chr11-62396430-T-C.
Other names: c.1715A>G, p.Tyr572Cys (NM_001278192.2); c.1649A>G, p.Tyr550Cys (NM_001278193.2); c.1700A>G, p.Tyr567Cys (NM_001278194.2, NM_001329222.2, NM_001329223.2); c.1268A>G, p.Tyr423Cys (NM_001329224.2, NM_001329225.2); c.2057A>G, p.Tyr686Cys (NM_198335.4); short protein forms Y423C, Y550C, Y567C, Y572C, Y664C, Y686C.
Identifiers: ClinVar variation 3366268 (VCV003366268.1).
Genomic context (GRCh38, chr11:62,628,958, plus strand): 5'-CGTCGCCCAGTGTCCAAGTGGGCATGTGCCCGGAAGAATGGCTGGTAAGCACCCATCTGG[T>C]ACCAGCGCACAAGCAGCTCTGGCTCTGGGTTTTTGAAGAAGCCACCCACATCCGCTGGTA-3'
Protein context (NP_938148.1, residues 654-674): NPEPELLVRW[Tyr664Cys]QMGAYQPFFR

ClinVar aggregate classification (germline): Uncertain significance (1 of 4 stars; one submission).

gnomAD v4.1: 1 of 1,614,048 alleles (0.000062%); highest among the groups gnomAD compares: Non-Finnish European, 0.000085%; no homozygotes.

Submission:

GeneDx
Classification: Uncertain significance. Last evaluated: 2023-10-18. Review status: criteria provided, single submitter. Criteria: GeneDx Variant Classification Process June 2021. Collection method: clinical testing. Allele origin: germline. Affected: yes.
Comment: Not observed at significant frequency in large population cohorts (gnomAD); In silico analysis supports that this missense variant has a deleterious effect on protein structure/function; Has not been previously published as pathogenic or benign to our knowledge